The following is an entry in ClinVar:

NM_003126.4(SPTA1):c.5189+23T>A

Gene: SPTA1 (spectrin alpha, erythrocytic 1; minus strand). Cytogenetic location: 1q23.1.
Variant type: single nucleotide variant.
Coding change: c.5189+23T>A on transcript NM_003126.4 (MANE Select); 23 bases into the intron after coding-DNA position 5189, T replaced by A.
Molecular consequence: intron variant.
Genome position (GRCh38, 1-based): chr1:158,638,010, A>T on the plus strand (T>A on the coding strand, the complement: SPTA1 is on the minus strand). VCF-style: chr1-158638010-A-T. GRCh37 (hg19) VCF-style: chr1-158607800-A-T.
Other names: p.?.
Identifiers: ClinVar variation 4683606 (VCV004683606.1).
Genomic context (GRCh38, chr1:158,638,010, plus strand): 5'-CATTTCAGCATAAATTGGAACAAGTTTGGTGGATTATCTACTCGCTTGTATTATCCACAC[A>T]TTTTTGAGCTGGTGGCACATACTCTATCCAGGATTCCTCATCATCTAGATCCTGGAAGAA-3'

ClinVar aggregate classification (germline): Likely benign (1 of 4 stars; one submission).

gnomAD v4.1: 303 of 1,611,934 alleles (0.019%); highest among the groups gnomAD compares: Non-Finnish European, 0.025%; no homozygotes.

Submission:

Mayo Clinic Laboratories, Mayo Clinic
Classification: Likely benign. Last evaluated: 2025-04-09. Review status: criteria provided, single submitter. Criteria: ACMG Guidelines, 2015. Collection method: clinical testing. Allele origin: germline. Observed: 1 variant allele.
Comment: BP4, BP7, PM2_supporting